The following is an entry in ClinVar:

NM_003872.3(NRP2):c.2440A>G (p.Ile814Val)

Gene: NRP2 (neuropilin 2; plus strand). Cytogenetic location: 2q33.3.
Variant type: single nucleotide variant.
Coding change: c.2440A>G on transcript NM_003872.3 (MANE Select); coding-DNA position 2440, A replaced by G.
Protein change: p.Ile814Val; replaces isoleucine 814 with valine.
Molecular consequence: missense variant. On other transcripts: intron variant (1).
Genome position (GRCh38, 1-based): chr2:205,792,249, A>G. VCF-style: chr2-205792249-A-G. GRCh37 (hg19) VCF-style: chr2-206656973-A-G.
Other names: c.2455A>G, p.Ile819Val (NM_201266.2); c.2426-2505A>G (NM_201279.2); short protein forms I819V, I814V.
Identifiers: ClinVar variation 4994965 (VCV004994965.1).

ClinVar aggregate classification (germline): Uncertain significance (1 of 4 stars; one submission).

Conditions:
NRP2-related disorder. Also called: NRP2-related condition.

gnomAD v4.1: 11 of 1,595,546 alleles (0.00069%); highest among the groups gnomAD compares: African/African-American, 0.004%; no homozygotes.

Submission:

PreventionGenetics, part of Exact Sciences
Classification: Uncertain significance for NRP2-related condition. Last evaluated: 2026-05-26. Review status: criteria provided, single submitter. Criteria: ACMG Guidelines, 2015. Collection method: clinical testing. Allele origin: germline.
Comment: The NRP2 c.2455A>G variant is predicted to result in the amino acid substitution p.Ile819Val. To our knowledge, this variant has not been reported in the literature. This variant is reported in 0.0062% of alleles in individuals of African descent in gnomAD. At this time, the clinical significance of this variant is uncertain due to the absence of conclusive functional and genetic evidence.